The following is an entry in ClinVar:

NM_182699.4(DDX53):c.146C>T (p.Pro49Leu)

Genes: DDX53 (DEAD-box helicase 53; plus strand), PTCHD1-AS (PTCHD1 and PHEX antisense RNA; minus strand). Cytogenetic location: Xp22.11.
Variant type: single nucleotide variant.
Coding change: c.146C>T on transcript NM_182699.4 (MANE Select); coding-DNA position 146, C replaced by T.
Protein change: p.Pro49Leu; replaces proline 49 with leucine.
Molecular consequence: missense variant.
Genome position (GRCh38, 1-based): chrX:23,000,203, C>T. VCF-style: chrX-23000203-C-T. GRCh37 (hg19) VCF-style: chrX-23018320-C-T.
Other names: short protein forms P49L.
Identifiers: ClinVar variation 4687038 (VCV004687038.1).

ClinVar aggregate classification (germline): Uncertain significance (1 of 4 stars; one submission).

Submission:

GeneDx
Classification: Uncertain significance. Last evaluated: 2025-07-24. Review status: criteria provided, single submitter. Criteria: GeneDx Variant Classification Process June 2021. Collection method: clinical testing. Allele origin: germline. Affected: yes.
Comment: Not observed at significant frequency in large population cohorts (gnomAD); In silico analysis supports that this missense variant has a deleterious effect on protein structure/function; Has not been previously published as pathogenic or benign to our knowledge